The following is an entry in ClinVar:

ClinVar aggregate classification (germline): Uncertain significance (1 of 4 stars; one submission).

Conditions:
Developmental and epileptic encephalopathy, 33 (DEE33). Also called: Epileptic encephalopathy, early infantile, 33. Identifiers: Orphanet 442835, MedGen C4225337, MONDO:0014625, OMIM 616409.

Submission:

Labcorp Genetics (formerly Invitae), Labcorp
Classification: Uncertain significance for Developmental and epileptic encephalopathy, 33. Last evaluated: 2025-06-29. Review status: criteria provided, single submitter. Criteria: Invitae Variant Classification Sherloc (09022015). Collection method: clinical testing. Allele origin: germline.
Comment: This sequence change replaces glutamic acid, which is acidic and polar, with glycine, which is neutral and non-polar, at codon 169 of the EEF1A2 protein (p.Glu169Gly). This variant is not present in population databases (gnomAD no frequency). This variant has not been reported in the literature in individuals affected with EEF1A2-related conditions. ClinVar contains an entry for this variant (Variation ID: 952533). Invitae Evidence Modeling of protein sequence and biophysical properties (such as structural, functional, and spatial information, amino acid conservation, physicochemical variation, residue mobility, and thermodynamic stability) indicates that this missense variant is not expected to disrupt EEF1A2 protein function with a negative predictive value of 80%. In summary, the available evidence is currently insufficient to determine the role of this variant in disease. Therefore, it has been classified as a Variant of Uncertain Significance.

NM_001958.5(EEF1A2):c.506A>G (p.Glu169Gly)

Genes: EEF1A2 (eukaryotic translation elongation factor 1 alpha 2; minus strand), LOC132090595 (Neanderthal introgressed variant-containing enhancer experimental_60987; plus strand). Cytogenetic location: 20q13.33.
Variant type: single nucleotide variant.
Coding change: c.506A>G on transcript NM_001958.5 (MANE Select); coding-DNA position 506, A replaced by G.
Protein change: p.Glu169Gly; replaces glutamic acid 169 with glycine.
Molecular consequence: missense variant.
Genome position (GRCh38, 1-based): chr20:63,494,920, T>C on the plus strand (A>G on the coding strand, the complement: EEF1A2 is on the minus strand). VCF-style: chr20-63494920-T-C. GRCh37 (hg19) VCF-style: chr20-62126273-T-C.
Other names: short protein forms E169G.
Identifiers: ClinVar variation 952533 (VCV000952533.10), dbSNP rs2082409745, ClinGen allele CA409649560.